The following is an entry in ClinVar:

ClinVar aggregate classification (germline): Uncertain significance. Review status: criteria provided, multiple submitters, no conflicts (2 of 4 stars). 2 submissions from 2 submitters: Uncertain significance (2). Last evaluated 2024-11-17.

Conditions:
Early-infantile DEE. Also called: Early infantile epileptic encephalopathy; Early infantile epileptic encephalopathy with suppression bursts; Ohtahara syndrome. Identifiers: Orphanet 1934, MedGen C0393706, MONDO:0800491.

Submissions (2):

Labcorp Genetics (formerly Invitae), Labcorp
Classification: Uncertain significance for Early-infantile DEE. Last evaluated: 2024-11-17. Review status: criteria provided, single submitter. Criteria: Invitae Variant Classification Sherloc (09022015). Collection method: clinical testing. Allele origin: germline.
Comment: This sequence change replaces proline, which is neutral and non-polar, with serine, which is neutral and polar, at codon 1718 of the SCN8A protein (p.Pro1718Ser). This variant is not present in population databases (gnomAD no frequency). This variant has not been reported in the literature in individuals affected with SCN8A-related conditions. ClinVar contains an entry for this variant (Variation ID: 196029). Invitae Evidence Modeling of protein sequence and biophysical properties (such as structural, functional, and spatial information, amino acid conservation, physicochemical variation, residue mobility, and thermodynamic stability) indicates that this missense variant is not expected to disrupt SCN8A protein function with a negative predictive value of 95%. In summary, the available evidence is currently insufficient to determine the role of this variant in disease. Therefore, it has been classified as a Variant of Uncertain Significance.

Eurofins Ntd Llc (ga)
Classification: Uncertain significance. Last evaluated: 2014-09-08. Review status: criteria provided, single submitter. Criteria: EGL Classification Definitions 2015. Collection method: clinical testing. Allele origin: germline. Observed: 2 variant alleles, 2 heterozygotes.

NM_001330260.2(SCN8A):c.5152C>T (p.Pro1718Ser)

Gene: SCN8A (sodium voltage-gated channel alpha subunit 8; plus strand). Cytogenetic location: 12q13.13.
Variant type: single nucleotide variant.
Coding change: c.5152C>T on transcript NM_001330260.2 (MANE Select); coding-DNA position 5152, C replaced by T.
Protein change: p.Pro1718Ser; replaces proline 1718 with serine.
Molecular consequence: missense variant.
Genome position (GRCh38, 1-based): chr12:51,806,638, C>T. VCF-style: chr12-51806638-C-T. GRCh37 (hg19) VCF-style: chr12-52200422-C-T.
Other names: c.5029C>T, p.Pro1677Ser (NM_001177984.3, NM_001369788.1); c.5152C>T, p.Pro1718Ser (NM_014191.4); short protein forms P1718S, P1677S.
Identifiers: ClinVar variation 196029 (VCV000196029.9), dbSNP rs794727442, ClinGen allele CA242781.